The following is an entry in ClinVar:

ClinVar aggregate classification (germline): Pathogenic/Likely pathogenic. Review status: criteria provided, multiple submitters, no conflicts (2 of 4 stars). 7 submissions from 7 submitters: Pathogenic (5); Likely pathogenic (1). 1 of the submissions does not count toward it. Last evaluated 2023-08-16.

Conditions:
ABCA4-related disorder. Also called: ABCA4-related condition; ABCA4-related disorders. Identifiers: MedGen CN239167.
Retinal dystrophy. Also called: Inherited retinal dystrophy. Identifiers: Orphanet 71862, MedGen C0854723, MeSH D058499, MONDO:0019118, HP:0000556.
Severe early-childhood-onset retinal dystrophy (STGD1). Also called: MACULAR DYSTROPHY WITH FLECKS, TYPE 1; STGD; Stargardt macular dystrophy; Juvenile onset macular degeneration; Stargardt disease 1. Identifiers: Orphanet 364055, Orphanet 827, MedGen C1855465, MeSH D000080362, MONDO:0009549, OMIM 248200.

Allele frequency attached by ClinVar (database versions not stated): TOPMed below 0.00001; gnomAD exomes below 0.00001.

Submissions (7):

Labcorp Genetics (formerly Invitae), Labcorp
Classification: Pathogenic. Last evaluated: 2023-08-16. Review status: criteria provided, single submitter. Criteria: Invitae Variant Classification Sherloc (09022015). Collection method: clinical testing. Allele origin: germline.
Comment: For these reasons, this variant has been classified as Pathogenic. ClinVar contains an entry for this variant (Variation ID: 99111). This premature translational stop signal has been observed in individual(s) with late-onset Stargardt disease (PMID: 9973280, 11379881). This variant is not present in population databases (gnomAD no frequency). This sequence change creates a premature translational stop signal (p.Met669Aspfs*96) in the ABCA4 gene. It is expected to result in an absent or disrupted protein product. Loss-of-function variants in ABCA4 are known to be pathogenic (PMID: 10958761, 24938718, 25312043, 26780318).

Institute of Human Genetics, Univ. Regensburg, Univ. Regensburg
Classification: Pathogenic for Retinal dystrophy. Last evaluated: 2023-01-01. Review status: criteria provided, single submitter. Criteria: ACMG Guidelines, 2015. Collection method: clinical testing. Allele origin: germline. Affected: yes.

Institute of Medical Molecular Genetics, University of Zurich
Classification: Likely pathogenic for Severe early-childhood-onset retinal dystrophy. Last evaluated: 2021-01-30. Review status: criteria provided, single submitter. Criteria: ACMG Guidelines, 2015. Collection method: clinical testing. Allele origin: unknown. Affected: yes.

Blueprint Genetics
Classification: Pathogenic for ABCA4-related disorders. Last evaluated: 2019-11-11. Review status: criteria provided, single submitter. Criteria: ACMG Guidelines, 2015. Collection method: clinical testing. Allele origin: germline. Affected: yes. Observed: 4 variant alleles.

GeneDx
Classification: Pathogenic. Last evaluated: 2018-10-22. Review status: criteria provided, single submitter. Criteria: GeneDx Variant Classification (06012015). Collection method: clinical testing. Allele origin: germline. Affected: yes.
Comment: The c.2005_2006delAT variant in the ABCA4 gene has been reported previously in association with autosomal recessive Stargardt disease when present with another disease-causing ABCA4 variant (Lewis et al., 1999; Cideciyan et al., 2004). The c.2005_2006delAT variant causes a frameshift starting with codon Methionine 669, changes this amino acid to an Aspartic Acid residue, and creates a premature Stop codon at position 96 of the new reading frame, denoted p.Met669AspfsX96. This variant is predicted to cause loss of normal protein function either through protein truncation or nonsense-mediated mRNA decay. The c.2005_2006delAT variant is not observed in large population cohorts (Lek et al., 2016). We interpret c.2005_2006delAT as a pathogenic variant.

CeGaT Center for Human Genetics Tuebingen
Classification: Pathogenic. Last evaluated: 2017-01-01. Review status: criteria provided, single submitter. Criteria: CeGaT Center For Human Genetics Tuebingen Variant Classification Criteria Version 2. Collection method: clinical testing. Allele origin: germline. Affected: yes. Observed: 1 variant allele.

Retina International
No classification provided. Review status: no classification provided. Collection method: not provided. Allele origin: not provided. Not counted in ClinVar's aggregate classification.

Literature cited by the submitters: PubMed 9973280 (cited by Labcorp Genetics (formerly Invitae), Labcorp and Institute of Human Genetics, Univ. Regensburg, Univ. Regensburg); PubMed 11379881 (cited by Labcorp Genetics (formerly Invitae), Labcorp); PubMed 10958761 (cited by Labcorp Genetics (formerly Invitae), Labcorp); PubMed 24938718 (cited by Labcorp Genetics (formerly Invitae), Labcorp); PubMed 25312043 (cited by Labcorp Genetics (formerly Invitae), Labcorp); PubMed 26780318 (cited by Labcorp Genetics (formerly Invitae), Labcorp); PubMed 29925512 (cited by Institute of Human Genetics, Univ. Regensburg, Univ. Regensburg); PubMed 32531858 (cited by Institute of Human Genetics, Univ. Regensburg, Univ. Regensburg).

NM_000350.3(ABCA4):c.2005_2006del (p.Met669fs)

Gene: ABCA4 (ATP binding cassette subfamily A member 4; minus strand). Cytogenetic location: 1p22.1.
Variant type: Deletion.
Coding change: c.2005_2006del on transcript NM_000350.3 (MANE Select); coding-DNA positions 2005 to 2006, 2 bases deleted (AT; older notation c.2005_2006delAT).
Protein change: p.Met669fs; shifts the reading frame from methionine 669.
Molecular consequence: frameshift variant.
Genome position (GRCh38, 1-based): chr1:94,060,691-94,060,692, AT deleted on the plus strand (AT on the coding strand, the reverse complement: ABCA4 is on the minus strand). VCF-style (leftmost placement, unchanged base first): chr1-94060690-CAT-C. GRCh37 (hg19) VCF-style: chr1-94526246-CAT-C.
Other names: c.2005_2006delAT, p.Met669Aspfs (NM_001425324.1); c.2005_2006del (NM_000350.2); short protein forms M669fs.
Identifiers: ClinVar variation 99111 (VCV000099111.53), dbSNP rs61749422, ClinGen allele CA226970.
Genomic context (GRCh38, chr1:94,060,690, plus strand): 5'-CTGATTTTTCAAGGTCTCCTTCAGTCGCAACTCCTTCTCCAAGACGATGCTCTTCACAGT[CAT>C]GGAGACAGAGTAGATCCATGCCAGCACCATGAAGATAGGGAAACAGCGGTTCAGGATGAT-3'